The following is an entry in ClinVar:

NM_144687.4(NLRP12):c.2244-22_2271del

Gene: NLRP12 (NLR family pyrin domain containing 12; minus strand). Cytogenetic location: 19q13.42.
Variant type: Deletion.
Coding change: c.2244-22_2271del on transcript NM_144687.4 (MANE Select); 22 bases into the intron before coding-DNA position 2244 through coding-DNA position 2271, 50 bases deleted.
Molecular consequence: splice acceptor variant.
Genome position (GRCh38, 1-based): chr19:53,805,423-53,805,472, 50 bases deleted. GRCh37 (hg19): chr19:54,308,677-54,308,726.
Other names: c.2244-22_2271del (NM_001277129.1); c.2247-22_2274del (NM_001277126.2).
Identifiers: ClinVar variation 2025165 (VCV002025165.4), dbSNP rs2514291271, ClinGen allele CA2580097744.

ClinVar aggregate classification (germline): Uncertain significance (1 of 4 stars; one submission).

Conditions:
Familial cold autoinflammatory syndrome 2 (FCAS2). Identifiers: Orphanet 247868, MedGen C2673198, MONDO:0012724, OMIM 611762.

Submission:

Labcorp Genetics (formerly Invitae), Labcorp
Classification: Uncertain significance for Familial cold autoinflammatory syndrome 2. Last evaluated: 2022-11-22. Review status: criteria provided, single submitter. Criteria: Invitae Variant Classification Sherloc (09022015). Collection method: clinical testing. Allele origin: germline.
Comment: In summary, the available evidence is currently insufficient to determine the role of this variant in disease. Therefore, it has been classified as a Variant of Uncertain Significance. Algorithms developed to predict the effect of sequence changes on RNA splicing suggest that this variant may disrupt the consensus splice site. This variant has not been reported in the literature in individuals affected with NLRP12-related conditions. This variant is not present in population databases (gnomAD no frequency). This variant results in the deletion of part of exon 5 of the NLRP12 gene. It is expected to disrupt RNA splicing. Variants that disrupt the donor or acceptor splice site typically lead to a loss of protein function (PMID: 16199547), however the current clinical and genetic evidence is not sufficient to establish whether loss-of-function variants in NLRP12 cause disease.

Literature cited by the submitters: PubMed 16199547.